The following is an entry in ClinVar:

NM_201384.3(PLEC):c.4063C>T (p.Arg1355Trp)

Gene: PLEC (plectin; minus strand). Cytogenetic location: 8q24.3.
Variant type: single nucleotide variant.
Coding change: c.4063C>T on transcript NM_201384.3 (MANE Select); coding-DNA position 4063, C replaced by T.
Protein change: p.Arg1355Trp; replaces arginine 1355 with tryptophan.
Molecular consequence: missense variant. On other transcripts: intron variant (1).
Genome position (GRCh38, 1-based): chr8:143,925,866, G>A on the plus strand (C>T on the coding strand, the complement: PLEC is on the minus strand). VCF-style: chr8-143925866-G-A. GRCh37 (hg19) VCF-style: chr8-145000034-G-A.
Other names: c.4144C>T, p.Arg1382Trp (NM_000445.5); c.4021C>T, p.Arg1341Trp (NM_201378.4); c.3997C>T, p.Arg1333Trp (NM_201379.3); c.4474C>T, p.Arg1492Trp (NM_201380.4); c.3967C>T, p.Arg1323Trp (NM_201381.3); c.4063C>T, p.Arg1355Trp (NM_201382.4); c.4075C>T, p.Arg1359Trp (NM_201383.3); c.4125+918C>T (NM_001410941.1); short protein forms R1382W, R1341W, R1359W, R1492W, R1323W, R1333W, R1355W.
Identifiers: ClinVar variation 4787783 (VCV004787783.1).

ClinVar aggregate classification (germline): Uncertain significance (1 of 4 stars; one submission).

Conditions:
Epidermolysis bullosa simplex with nail dystrophy (EBS5D). Identifiers: MedGen C4225309, MONDO:0014661, OMIM 616487.
Epidermolysis bullosa simplex, Ogna type (EBS5A). Also called: EPIDERMOLYSIS BULLOSA SIMPLEX 5A, OGNA TYPE; Pidermolysis bullosa simplex 5A, Ogna type. Identifiers: Orphanet 79401, MedGen C0432317, MONDO:0007555, OMIM 131950.
Autosomal recessive limb-girdle muscular dystrophy type 2Q (LGMDR17). Also called: MUSCULAR DYSTROPHY, LIMB-GIRDLE, AUTOSOMAL RECESSIVE 17. Identifiers: Orphanet 254361, MedGen C3150989, MONDO:0013390, OMIM 613723.
Epidermolysis bullosa simplex 5B, with muscular dystrophy (EBS5B). Also called: EPIDERMOLYSIS BULLOSA SIMPLEX AND LIMB-GIRDLE MUSCULAR DYSTROPHY; Epidermolysis bullosa simplex with muscular dystrophy. Identifiers: Orphanet 257, MedGen C2931072, MONDO:0009181, OMIM 226670.
Epidermolysis bullosa simplex 5C, with pyloric atresia (EBS5C). Also called: PLEC-Related Epidermolysis Bullosa with Pyloric Atresia; Epidermolysis bullosa simplex with pyloric atresia; PLEC1-Related Epidermolysis Bullosa with Pyloric Atresia. Identifiers: Orphanet 158684, MedGen C2677349, MONDO:0012807, OMIM 612138.

gnomAD v4.1: 23 of 1,547,318 alleles (0.0015%); highest among the groups gnomAD compares: South Asian, 0.0023%; no homozygotes.

Submission:

Labcorp Genetics (formerly Invitae), Labcorp
Classification: Uncertain significance for Autosomal recessive limb-girdle muscular dystrophy type 2Q; Epidermolysis bullosa simplex, Ogna type; Epidermolysis bullosa simplex with nail dystrophy; Epidermolysis bullosa simplex 5C, with pyloric atresia; Epidermolysis bullosa simplex 5B, with muscular dystrophy. Last evaluated: 2025-10-08. Review status: criteria provided, single submitter. Criteria: Invitae Variant Classification Sherloc (09022015). Collection method: clinical testing. Allele origin: germline.
Comment: This sequence change replaces arginine, which is basic and polar, with tryptophan, which is neutral and slightly polar, at codon 1382 of the PLEC protein (p.Arg1382Trp). The frequency data for this variant in the population databases is considered unreliable, as metrics indicate poor data quality at this position in the gnomAD database. This variant has not been reported in the literature in individuals affected with PLEC-related conditions. Experimental studies and prediction algorithms are not available or were not evaluated, and the functional significance of this variant is currently unknown. In summary, the available evidence is currently insufficient to determine the role of this variant in disease. Therefore, it has been classified as a Variant of Uncertain Significance.